The following is an entry in ClinVar:

ClinVar aggregate classification (germline): Uncertain significance (1 of 4 stars; one submission).

Allele frequency attached by ClinVar (database versions not stated): gnomAD exomes below 0.00001; TOPMed 0.00001; gnomAD 0.00002.
gnomAD v4.1: 8 of 1,613,900 alleles (0.0005%); highest among the groups gnomAD compares: African/African-American, 0.0053%; no homozygotes.

Submission:

Labcorp Genetics (formerly Invitae), Labcorp
Classification: Uncertain significance. Last evaluated: 2022-10-13. Review status: criteria provided, single submitter. Criteria: Invitae Variant Classification Sherloc (09022015). Collection method: clinical testing. Allele origin: germline.
Comment: This sequence change replaces methionine, which is neutral and non-polar, with isoleucine, which is neutral and non-polar, at codon 825 of the OCA2 protein (p.Met825Ile). This variant is present in population databases (no rsID available, gnomAD 0.01%). This variant has not been reported in the literature in individuals affected with OCA2-related conditions. Algorithms developed to predict the effect of missense changes on protein structure and function (SIFT, PolyPhen-2, Align-GVGD) all suggest that this variant is likely to be tolerated. In summary, the available evidence is currently insufficient to determine the role of this variant in disease. Therefore, it has been classified as a Variant of Uncertain Significance.

NM_000275.3(OCA2):c.2475G>A (p.Met825Ile)

Gene: OCA2 (OCA2 melanosomal transmembrane protein; minus strand). Cytogenetic location: 15q12.
Variant type: single nucleotide variant.
Coding change: c.2475G>A on transcript NM_000275.3 (MANE Select); coding-DNA position 2475, G replaced by A.
Protein change: p.Met825Ile; replaces methionine 825 with isoleucine.
Molecular consequence: missense variant.
Genome position (GRCh38, 1-based): chr15:27,755,430, C>T on the plus strand (G>A on the coding strand, the complement: OCA2 is on the minus strand). VCF-style: chr15-27755430-C-T. GRCh37 (hg19) VCF-style: chr15-28000576-C-T.
Other names: c.2403G>A, p.Met801Ile (NM_001300984.2); short protein forms M801I, M825I.
Identifiers: ClinVar variation 2117118 (VCV002117118.1), dbSNP rs1184076304, ClinGen allele CA391470098.